The following is an entry in ClinVar:

ClinVar aggregate classification (germline): Uncertain significance. Review status: criteria provided, multiple submitters, no conflicts (2 of 4 stars). 2 submissions from 2 submitters: Uncertain significance (2). Last evaluated 2025-05-23.

Conditions:
Carney-Stratakis syndrome. Also called: PARAGANGLIOMA AND GASTROINTESTINAL STROMAL TUMOR. Identifiers: Orphanet 97286, MedGen C1847319, MONDO:0011740, OMIM 606864.
Paragangliomas with sensorineural hearing loss. Identifiers: MedGen C1868633.
Pheochromocytoma. Also called: MAX-Related Hereditary Paraganglioma-Pheochromocytoma Syndrome. Identifiers: Orphanet 29072, MedGen C0031511, MONDO:0008233, OMIM 171300, HP:0002666.
Cowden syndrome 3 (CWS3). Identifiers: Orphanet 201, MedGen CN166604, MONDO:0014045.

Submissions (2):

Dasa
Classification: Uncertain significance. Last evaluated: 2025-05-23. Review status: criteria provided, single submitter. Criteria: DASA Assertion Criteria. Collection method: clinical testing. Allele origin: germline.
Comment: NM_003002.4(SDHD):c.301C>G (p.Leu101Val) is a missense variant that results in the substitution of leucine with valine. The affected residue or protein region has prior evidence supporting clinical relevance. This variant is absent from population databases. Computational prediction algorithms are consistent with a deleterious effect. The currently available literature and clinical evidence are not sufficient to establish a definitive association between this variant and the reported condition. Therefore, this variant is classified as a variant of uncertain significance.

Labcorp Genetics (formerly Invitae), Labcorp
Classification: Uncertain significance for Carney-Stratakis syndrome; Paragangliomas with sensorineural hearing loss; Pheochromocytoma; Cowden syndrome 3. Last evaluated: 2020-08-26. Review status: criteria provided, single submitter. Criteria: Invitae Variant Classification Sherloc (09022015). Collection method: clinical testing. Allele origin: germline.
Comment: This sequence change replaces leucine with valine at codon 101 of the SDHD protein (p.Leu101Val). The leucine residue is highly conserved and there is a small physicochemical difference between leucine and valine. This variant is not present in population databases (ExAC no frequency). This variant has not been reported in the literature in individuals with SDHD-related conditions. Advanced modeling of protein sequence and biophysical properties (such as structural, functional, and spatial information, amino acid conservation, physicochemical variation, residue mobility, and thermodynamic stability) performed at Invitae indicates that this missense variant is not expected to disrupt SDHD protein function. In summary, the available evidence is currently insufficient to determine the role of this variant in disease. Therefore, it has been classified as a Variant of Uncertain Significance.

NM_003002.4(SDHD):c.301C>G (p.Leu101Val)

Gene: SDHD (succinate dehydrogenase complex subunit D; plus strand). Cytogenetic location: 11q23.1.
Variant type: single nucleotide variant.
Coding change: c.301C>G on transcript NM_003002.4 (MANE Select); coding-DNA position 301, C replaced by G.
Protein change: p.Leu101Val; replaces leucine 101 with valine.
Molecular consequence: missense variant. On other transcripts: non-coding transcript variant (1), intron variant (1).
Genome position (GRCh38, 1-based): chr11:112,088,998, C>G. VCF-style: chr11-112088998-C-G. GRCh37 (hg19) VCF-style: chr11-111959722-C-G.
Other names: c.184C>G, p.Leu62Val (NM_001276504.2); c.301C>G, p.Leu101Val (NM_001276506.2); c.169+1025C>G (NM_001276503.2); short protein forms L101V, L62V.
Identifiers: ClinVar variation 1040663 (VCV001040663.12), dbSNP rs1165258369, ClinGen allele CA382617407.
Genomic context (GRCh38, chr11:112,088,998, plus strand): 5'-CCGGCTGCTTATTTGAATCCTTGCTCTGCGATGGACTATTCCCTGGCTGCAGCCCTCACT[C>G]TTCATGGTCACTGGCAAGTATAGCAATTCCAAATATAGTTGTCTGCTCAGTTTGTTTGCT-3'
Protein context (NP_002993.1, residues 91-111): MDYSLAAALT[Leu101Val]HGHWGLGQVV